The following is an entry in ClinVar:

ClinVar aggregate classification (germline): Uncertain significance (1 of 4 stars; one submission).

Submission:

Women's Health and Genetics/Laboratory Corporation of America, LabCorp
Classification: Uncertain significance. Last evaluated: 2024-09-11. Review status: criteria provided, single submitter. Criteria: LabCorp Variant Classification Summary - May 2015. Collection method: clinical testing. Allele origin: germline.
Comment: Variant summary: KAT6B c.6024C>A (p.Ser2008Arg) results in a non-conservative amino acid change in the encoded protein sequence. Four of five in-silico tools predict a damaging effect of the variant on protein function. The variant was absent in 251440 control chromosomes. The available data on variant occurrences in the general population are insufficient to allow any conclusion about variant significance. To our knowledge, no occurrence of c.6024C>A in individuals affected with KAT6B-Related Spectrum Disorders and no experimental evidence demonstrating its impact on protein function have been reported. No submitters have cited clinical-significance assessments for this variant to ClinVar. Based on the evidence outlined above, the variant was classified as uncertain significance.

NM_012330.4(KAT6B):c.6024C>A (p.Ser2008Arg)

Gene: KAT6B (lysine acetyltransferase 6B; plus strand). Cytogenetic location: 10q22.2.
Variant type: single nucleotide variant.
Coding change: c.6024C>A on transcript NM_012330.4 (MANE Select); coding-DNA position 6024, C replaced by A.
Protein change: p.Ser2008Arg; replaces serine 2008 with arginine.
Molecular consequence: missense variant.
Genome position (GRCh38, 1-based): chr10:75,030,848, C>A. VCF-style: chr10-75030848-C-A. GRCh37 (hg19) VCF-style: chr10-76790606-C-A.
Other names: c.5475C>A, p.Ser1825Arg (NM_001256468.2, NM_001370138.1); c.5148C>A, p.Ser1716Arg (NM_001256469.2, NM_001370139.1, NM_001370140.1 and 2 more transcripts); c.4986C>A, p.Ser1662Arg (NM_001370132.1); c.4335C>A, p.Ser1445Arg (NM_001370133.1); c.3939C>A, p.Ser1313Arg (NM_001370134.1); c.3681C>A, p.Ser1227Arg (NM_001370135.1); c.6024C>A, p.Ser2008Arg (NM_001370136.1, NM_001370137.1); c.4959C>A, p.Ser1653Arg (NM_001370143.1, NM_001370144.1); short protein forms S1227R, S1313R, S1445R, S1653R, S1662R, S1716R, S1825R, S2008R.
Identifiers: ClinVar variation 3374880 (VCV003374880.1).
Genomic context (GRCh38, chr10:75,030,848, plus strand): 5'-TCTCAACGCCATGAATGGGTACAGCATGTCCCAGCCAATGATGAACAGTGGCTACCACAG[C>A]AATCATGGCTATATGAATCAAACGCCCCAATACCCTATGCAGATGCAGATGGGCATGATG-3'
Protein context (NP_036462.2, residues 1998-2018): SQPMMNSGYH[Ser2008Arg]NHGYMNQTPQ